The following is an entry in ClinVar:

NM_198252.3(GSN):c.731G>T (p.Arg244Leu)

Gene: GSN (gelsolin; plus strand). Cytogenetic location: 9q33.2.
Variant type: single nucleotide variant.
Coding change: c.731G>T on transcript NM_198252.3 (MANE Select); coding-DNA position 731, G replaced by T.
Protein change: p.Arg244Leu; replaces arginine 244 with leucine.
Molecular consequence: missense variant.
Genome position (GRCh38, 1-based): chr9:121,314,001, G>T. VCF-style: chr9-121314001-G-T. GRCh37 (hg19) VCF-style: chr9-124076279-G-T.
Other names: c.884G>T, p.Arg295Leu (NM_000177.5); c.731G>T, p.Arg244Leu (NM_001127662.2, NM_001127664.2, NM_001127665.2 and 10 more transcripts); c.839G>T, p.Arg280Leu (NM_001127663.2); c.764G>T, p.Arg255Leu (NM_001353063.2, NM_001353064.2, NM_001353065.2 and 13 more transcripts); c.77G>T, p.Arg26Leu (NM_001353078.2); c.782G>T, p.Arg261Leu (NM_001258029.2); c.755G>T, p.Arg252Leu (NM_001258030.2); c.803G>T, p.Arg268Leu (NM_001353076.2); short protein forms R244L, R252L, R255L, R261L, R268L, R26L, R280L, R295L.
Identifiers: ClinVar variation 3606465 (VCV003606465.2).

ClinVar aggregate classification (germline): Uncertain significance (1 of 4 stars; one submission).

gnomAD v4.1: 5 of 1,613,642 alleles (0.00031%); highest among the groups gnomAD compares: Non-Finnish European, 0.00042%; no homozygotes.

Submission:

Labcorp Genetics (formerly Invitae), Labcorp
Classification: Uncertain significance. Last evaluated: 2024-10-01. Review status: criteria provided, single submitter. Criteria: Invitae Variant Classification Sherloc (09022015). Collection method: clinical testing. Allele origin: germline.
Comment: This sequence change replaces arginine, which is basic and polar, with leucine, which is neutral and non-polar, at codon 295 of the GSN protein (p.Arg295Leu). This variant is present in population databases (rs766602997, gnomAD 0.0009%). This variant has not been reported in the literature in individuals affected with GSN-related conditions. Invitae Evidence Modeling of protein sequence and biophysical properties (such as structural, functional, and spatial information, amino acid conservation, physicochemical variation, residue mobility, and thermodynamic stability) indicates that this missense variant is not expected to disrupt GSN protein function with a negative predictive value of 80%. In summary, the available evidence is currently insufficient to determine the role of this variant in disease. Therefore, it has been classified as a Variant of Uncertain Significance.